The following is an entry in ClinVar:

ClinVar aggregate classification (germline): Uncertain significance (1 of 4 stars; one submission).

Conditions:
Hereditary cancer-predisposing syndrome. Also called: Tumor predisposition; Hereditary neoplastic syndrome; Hereditary Cancer Syndrome; Neoplastic Syndromes, Hereditary. Identifiers: Orphanet 140162, MedGen C0027672, MeSH D009386, MONDO:0015356.

Submission:

Ambry Genetics
Classification: Uncertain significance for Hereditary cancer-predisposing syndrome. Last evaluated: 2025-05-11. Review status: criteria provided, single submitter. Criteria: Ambry Variant Classification Scheme 2023. Collection method: clinical testing. Allele origin: germline.
Comment: The p.H392Q variant (also known as c.1176C>A), located in coding exon 6 of the RET gene, results from a C to A substitution at nucleotide position 1176. The histidine at codon 392 is replaced by glutamine, an amino acid with highly similar properties. This amino acid position is conserved. In addition, the in silico prediction for this alteration is inconclusive. Based on the available evidence, the clinical significance of this variant remains unclear.

NM_020975.6(RET):c.1176C>A (p.His392Gln)

Gene: RET (ret proto-oncogene; plus strand). Cytogenetic location: 10q11.21.
Variant type: single nucleotide variant.
Coding change: c.1176C>A on transcript NM_020975.6 (MANE Select); coding-DNA position 1176, C replaced by A.
Protein change: p.His392Gln; replaces histidine 392 with glutamine.
Molecular consequence: missense variant. On other transcripts: intron variant (18).
Genome position (GRCh38, 1-based): chr10:43,109,143, C>A. VCF-style: chr10-43109143-C-A. GRCh37 (hg19) VCF-style: chr10-43604591-C-A.
Other names: c.414C>A, p.His138Gln (NM_001355216.2); c.1176C>A, p.His392Gln (NM_001406743.1, NM_001406744.1, NM_001406759.1 and 4 more transcripts); c.1047C>A, p.His349Gln (NM_001406761.1, NM_001406762.1, NM_001406764.1 and 1 more transcripts); c.888C>A, p.His296Gln (NM_001406766.1, NM_001406767.1, NM_001406770.1); c.738C>A, p.His246Gln (NM_001406771.1, NM_001406773.1); c.450C>A, p.His150Gln (NM_001406775.1, NM_001406776.1, NM_001406777.1 and 1 more transcripts); c.186C>A, p.His62Gln (NM_001406784.1); c.868-2064C>A (NM_001406772.1, NM_001406769.1); and 5 more; short protein forms H296Q, H349Q, H392Q, H62Q, H138Q, H150Q, H246Q.
Identifiers: ClinVar variation 3944668 (VCV003944668.1).